The following is an entry in ClinVar:

ClinVar aggregate classification (germline): Uncertain significance (1 of 4 stars; one submission).

Submission:

CeGaT Center for Human Genetics Tuebingen
Classification: Uncertain significance. Last evaluated: 2024-09-01. Review status: criteria provided, single submitter. Criteria: CeGaT Center For Human Genetics Tuebingen Variant Classification Criteria Version 2. Collection method: clinical testing. Allele origin: germline. Affected: yes. Observed: 1 variant allele.
Comment: SLC32A1: PM2, BP4

NM_080552.3(SLC32A1):c.333C>G (p.His111Gln)

Gene: SLC32A1 (solute carrier family 32 member 1; plus strand). Cytogenetic location: 20q11.23.
Variant type: single nucleotide variant.
Coding change: c.333C>G on transcript NM_080552.3 (MANE Select); coding-DNA position 333, C replaced by G.
Protein change: p.His111Gln; replaces histidine 111 with glutamine.
Molecular consequence: missense variant.
Genome position (GRCh38, 1-based): chr20:38,725,057, C>G. VCF-style: chr20-38725057-C-G. GRCh37 (hg19) VCF-style: chr20-37353700-C-G.
Other names: short protein forms H111Q.
Identifiers: ClinVar variation 3389744 (VCV003389744.14).